The following is an entry in ClinVar:

ClinVar aggregate classification (germline): Conflicting classifications of pathogenicity. Review status: criteria provided, conflicting classifications (1 of 4 stars). 7 submissions from 7 submitters: Uncertain significance (6); Likely benign (1). Last evaluated 2026-01-04.

Conditions:
Malignant hyperthermia, susceptibility to, 5 (MHS5). Also called: CACNA1S-Related Malignant Hyperthermia Susceptibility. Identifiers: Orphanet 423, MedGen C1866077, MONDO:0011163, OMIM 601887.
Congenital myopathy 18. Also called: DIHYDROPYRIDINE RECEPTOR CONGENITAL MYOPATHY; DHPR CONGENITAL MYOPATHY; Myopathy, congenital, due to dihydropyridine receptor defect. Identifiers: MedGen C5830283, MONDO:0859514, OMIM 620246.
Hypokalemic periodic paralysis, type 1. Also called: Hypokalemic Periodic Paralysis Type 1 (AD); HypoPP. Identifiers: Orphanet 681, MedGen C3714580, MONDO:0042979, OMIM 170400.
Thyrotoxic periodic paralysis, susceptibility to, 1 (TTPP1). Identifiers: Orphanet 79102, MedGen C2749982, MONDO:0008570, OMIM 188580.
CACNA1S-related disorder. Also called: CACNA1S-related condition.

Allele frequency attached by ClinVar (database versions not stated): gnomAD exomes 0.00002; ExAC 0.00008; gnomAD 0.00014; TOPMed 0.00015; 1000 Genomes Project 30x 0.00031; 1000 Genomes Project 0.00040; ESP Exome Variant Server 0.00046.
gnomAD v4.1: 51 of 1,614,074 alleles (0.0032%); highest among the groups gnomAD compares: African/African-American, 0.041%; no homozygotes.

Submissions (7):

Labcorp Genetics (formerly Invitae), Labcorp
Classification: Likely benign for Hypokalemic periodic paralysis, type 1; Malignant hyperthermia, susceptibility to, 5. Last evaluated: 2026-01-04. Review status: criteria provided, single submitter. Criteria: Invitae Variant Classification Sherloc (09022015). Collection method: clinical testing. Allele origin: germline.

GeneDx
Classification: Uncertain significance. Last evaluated: 2025-02-25. Review status: criteria provided, single submitter. Criteria: GeneDx Variant Classification Process June 2021. Collection method: clinical testing. Allele origin: germline. Affected: yes.
Comment: Has not been previously published as pathogenic or benign to our knowledge; In silico analysis supports that this missense variant has a deleterious effect on protein structure/function

Blueprint Genetics
Classification: Uncertain significance. Last evaluated: 2024-06-25. Review status: criteria provided, single submitter. Criteria: ACMG Guidelines, 2015. Collection method: clinical testing. Allele origin: germline.

Fulgent Genetics
Classification: Uncertain significance for Hypokalemic periodic paralysis, type 1; Thyrotoxic periodic paralysis, susceptibility to, 1; Malignant hyperthermia, susceptibility to, 5; Congenital myopathy 18. Last evaluated: 2024-05-30. Review status: criteria provided, single submitter. Criteria: ACMG Guidelines, 2015. Collection method: clinical testing. Allele origin: germline.

All of Us Research Program, National Institutes of Health
Classification: Uncertain significance for Malignant hyperthermia, susceptibility to, 5. Last evaluated: 2024-02-05. Review status: criteria provided, single submitter. Criteria: ACMG Guidelines, 2015. Collection method: clinical testing. Allele origin: germline. Inheritance: Autosomal dominant inheritance. Observed: 11 variant alleles, 11 heterozygotes.
Comment: This missense variant replaces proline with leucine at codon 630 of the CACNA1S protein. Computational prediction suggests that this variant may have deleterious impact on protein structure and function (internally defined REVEL score threshold >= 0.7, PMID: 27666373). To our knowledge, functional studies have not been reported for this variant. This variant has not been reported in individuals affected with CACNA1S-related disorders in the literature. This variant has been identified in 23/282868 chromosomes in the general population by the Genome Aggregation Database (gnomAD). The available evidence is insufficient to determine the role of this variant in disease conclusively. Therefore, this variant is classified as a Variant of Uncertain Significance.

This study involves interpretation of variants in research participants for the purpose of population health screening. Participant phenotype was not available at the time of variant classification. Additional details can be found in publication PMID: 35346344, PMCID: PMC8962531

Color Diagnostics, LLC DBA Color Health
Classification: Uncertain significance for Malignant hyperthermia, susceptibility to, 5. Last evaluated: 2023-11-15. Review status: criteria provided, single submitter. Criteria: ACMG Guidelines, 2015. Collection method: clinical testing. Allele origin: germline.
Comment: This missense variant replaces proline with leucine at codon 630 of the CACNA1S protein. Computational prediction suggests that this variant may have deleterious impact on protein structure and function. To our knowledge, functional studies have not been reported for this variant. This variant has not been reported in individuals affected with CACNA1S-related disorders in the literature. This variant has been identified in 23/282868 chromosomes in the general population by the Genome Aggregation Database (gnomAD). The available evidence is insufficient to determine the role of this variant in disease conclusively. Therefore, this variant is classified as a Variant of Uncertain Significance.

PreventionGenetics, part of Exact Sciences
Classification: Uncertain significance for CACNA1S-related condition. Last evaluated: 2022-10-21. Review status: criteria provided, single submitter. Criteria: ACMG Guidelines, 2015. Collection method: clinical testing. Allele origin: germline.
Comment: The CACNA1S c.1889C>T variant is predicted to result in the amino acid substitution p.Pro630Leu. To our knowledge, this variant has not been reported in the literature. This variant is reported in 0.064% of alleles in individuals of African descent in gnomAD. Although we suspect that this variant may be benign, at this time, the clinical significance of this variant is uncertain due to the absence of conclusive functional and genetic evidence.

NM_000069.3(CACNA1S):c.1889C>T (p.Pro630Leu)

Gene: CACNA1S (calcium voltage-gated channel subunit alpha1 S; minus strand). Cytogenetic location: 1q32.1.
Variant type: single nucleotide variant.
Coding change: c.1889C>T on transcript NM_000069.3 (MANE Select); coding-DNA position 1889, C replaced by T.
Protein change: p.Pro630Leu; replaces proline 630 with leucine.
Molecular consequence: missense variant.
Genome position (GRCh38, 1-based): chr1:201,075,554, G>A on the plus strand (C>T on the coding strand, the complement: CACNA1S is on the minus strand). VCF-style: chr1-201075554-G-A. GRCh37 (hg19) VCF-style: chr1-201044682-G-A.
Other names: c.1889C>T (NM_000069.2); short protein forms P630L.
Identifiers: ClinVar variation 2037548 (VCV002037548.10), dbSNP rs150646872, ClinGen allele CA078650.
Genomic context (GRCh38, chr1:201,075,554, plus strand): 5'-CAGTTGCCACAGACGAAAAGGATGATGAAGTAAATGCACACAAGCATGCCAGGGTAGGAC[G>A]GCCCGCCGTAGGCCATGATCCCATTGTACATCATTGAGGTCCAGTCTTCCCCTGTCAGTA-3'
Protein context (NP_000060.2, residues 620-640): MYNGIMAYGG[Pro630Leu]SYPGMLVCIY